The following is an entry in ClinVar:

NM_001368809.2(AMPD2):c.1750T>C (p.Phe584Leu)

Gene: AMPD2 (adenosine monophosphate deaminase 2; plus strand). Cytogenetic location: 1p13.3.
Variant type: single nucleotide variant.
Coding change: c.1750T>C on transcript NM_001368809.2 (MANE Select); coding-DNA position 1750, T replaced by C.
Protein change: p.Phe584Leu; replaces phenylalanine 584 with leucine.
Molecular consequence: missense variant.
Genome position (GRCh38, 1-based): chr1:109,629,378, T>C. VCF-style: chr1-109629378-T-C. GRCh37 (hg19) VCF-style: chr1-110172000-T-C.
Other names: c.1558T>C, p.Phe520Leu (NM_001257361.2); c.1687T>C, p.Phe563Leu (NM_001308170.1); c.1750T>C, p.Phe584Leu (NM_004037.9); c.1669T>C, p.Phe557Leu (NM_139156.4); short protein forms F520L, F563L, F584L, F557L.
Identifiers: ClinVar variation 1351473 (VCV001351473.8), dbSNP rs763257527, ClinGen allele CA993184.

ClinVar aggregate classification (germline): Uncertain significance (1 of 4 stars; one submission).

Conditions:
Hereditary spastic paraplegia 63. Also called: Spastic paraplegia 63, autosomal recessive. Identifiers: Orphanet 401805, MedGen C3810295, MONDO:0014305, OMIM 615686.
Pontocerebellar hypoplasia type 9. Identifiers: Orphanet 369920, MedGen C4014354, MONDO:0014351, OMIM 615809.

Allele frequency attached by ClinVar (database versions not stated): TOPMed 0.00001; gnomAD exomes 0.00002 and 0.00004; ExAC 0.00003.
gnomAD v4.1: 11 of 1,614,172 alleles (0.00068%); highest among the groups gnomAD compares: Admixed American, 0.018%; no homozygotes.

Submission:

Labcorp Genetics (formerly Invitae), Labcorp
Classification: Uncertain significance for Pontocerebellar hypoplasia type 9; Hereditary spastic paraplegia 63. Last evaluated: 2022-05-27. Review status: criteria provided, single submitter. Criteria: Invitae Variant Classification Sherloc (09022015). Collection method: clinical testing. Allele origin: germline.
Comment: This sequence change replaces phenylalanine, which is neutral and non-polar, with leucine, which is neutral and non-polar, at codon 638 of the AMPD2 protein (p.Phe638Leu). This variant is present in population databases (rs763257527, gnomAD 0.03%). This variant has not been reported in the literature in individuals affected with AMPD2-related conditions. Algorithms developed to predict the effect of missense changes on protein structure and function are either unavailable or do not agree on the potential impact of this missense change (SIFT: "Deleterious"; PolyPhen-2: "Possibly Damaging"; Align-GVGD: "Class C0"). In summary, the available evidence is currently insufficient to determine the role of this variant in disease. Therefore, it has been classified as a Variant of Uncertain Significance.